The following is an entry in ClinVar:

ClinVar aggregate classification (germline): Likely benign. Review status: criteria provided, multiple submitters, no conflicts (2 of 4 stars). 3 submissions from 3 submitters: Likely benign (3). Last evaluated 2025-12-09.

Conditions:
Hereditary cancer-predisposing syndrome. Also called: Hereditary neoplastic syndrome; Tumor predisposition; Neoplastic Syndromes, Hereditary; Hereditary Cancer Syndrome. Identifiers: Orphanet 140162, MedGen C0027672, MeSH D009386, MONDO:0015356.
Ataxia-telangiectasia syndrome (AT). Also called: LOUIS-BAR SYNDROME; ATAXIA-TELANGIECTASIA, COMPLEMENTATION GROUP A; ATAXIA-TELANGIECTASIA, FRESNO VARIANT; Ataxia-telangiectasia; Ataxia telangiectasia (A-T); Cerebello-oculocutaneous telangiectasia. Identifiers: Orphanet 100, MedGen C0004135, MONDO:0008840, OMIM 208900.

Allele frequency attached by ClinVar (database versions not stated): gnomAD 0.00001; gnomAD exomes 0.00001; TOPMed 0.00001.
gnomAD v4.1: 9 of 1,435,738 alleles (0.00063%); highest among the groups gnomAD compares: Non-Finnish European, 0.00087%; no homozygotes.

Submissions (3):

Labcorp Genetics (formerly Invitae), Labcorp
Classification: Likely benign for Ataxia-telangiectasia syndrome. Last evaluated: 2025-12-09. Review status: criteria provided, single submitter. Criteria: Invitae Variant Classification Sherloc (09022015). Collection method: clinical testing. Allele origin: germline.

Color Diagnostics, LLC DBA Color Health
Classification: Likely benign for Hereditary cancer-predisposing syndrome. Last evaluated: 2018-11-29. Review status: criteria provided, single submitter. Criteria: ACMG Guidelines, 2015. Collection method: clinical testing. Allele origin: germline.

GeneDx
Classification: Likely benign. Last evaluated: 2016-08-24. Review status: criteria provided, single submitter. Criteria: GeneDx Variant Classification (06012015). Collection method: clinical testing. Allele origin: germline. Affected: yes.
Comment: This variant is considered likely benign or benign based on one or more of the following criteria: it is a conservative change, it occurs at a poorly conserved position in the protein, it is predicted to be benign by multiple in silico algorithms, and/or has population frequency not consistent with disease.

NM_000051.4(ATM):c.3746+17C>T

Gene: ATM (ATM serine/threonine kinase; plus strand). Cytogenetic location: 11q22.3.
Variant type: single nucleotide variant.
Coding change: c.3746+17C>T on transcript NM_000051.4 (MANE Select); 17 bases into the intron after coding-DNA position 3746, C replaced by T.
Molecular consequence: intron variant.
Genome position (GRCh38, 1-based): chr11:108,282,896, C>T. VCF-style: chr11-108282896-C-T. GRCh37 (hg19) VCF-style: chr11-108153623-C-T.
Other names: c.3746+17C>T (NM_001351834.2).
Identifiers: ClinVar variation 380402 (VCV000380402.10), dbSNP rs1057520850, ClinGen allele CA16605783.